The following is an entry in ClinVar:

NM_015978.3(TNNI3K):c.1625T>C (p.Ile542Thr)

Genes: FPGT-TNNI3K (FPGT-TNNI3K readthrough; plus strand), TNNI3K (TNNI3 interacting kinase; plus strand). Cytogenetic location: 1p31.1.
Variant type: single nucleotide variant.
Coding change: c.1625T>C on transcript NM_015978.3 (MANE Select); coding-DNA position 1625, T replaced by C.
Protein change: p.Ile542Thr; replaces isoleucine 542 with threonine.
Molecular consequence: missense variant.
Genome position (GRCh38, 1-based): chr1:74,369,543, T>C. VCF-style: chr1-74369543-T-C. GRCh37 (hg19) VCF-style: chr1-74835227-T-C.
Other names: c.1928T>C, p.Ile643Thr (NM_001112808.3, NM_001199327.2); short protein forms I542T, I643T.
Identifiers: ClinVar variation 1386929 (VCV001386929.8), dbSNP rs2100520831, ClinGen allele CA340786384.

ClinVar aggregate classification (germline): Uncertain significance (1 of 4 stars; one submission).

Submission:

Labcorp Genetics (formerly Invitae), Labcorp
Classification: Uncertain significance. Last evaluated: 2024-05-31. Review status: criteria provided, single submitter. Criteria: Invitae Variant Classification Sherloc (09022015). Collection method: clinical testing. Allele origin: germline.
Comment: This sequence change replaces isoleucine, which is neutral and non-polar, with threonine, which is neutral and polar, at codon 542 of the TNNI3K protein (p.Ile542Thr). This variant is not present in population databases (gnomAD no frequency). This variant has not been reported in the literature in individuals affected with TNNI3K-related conditions. ClinVar contains an entry for this variant (Variation ID: 1386929). Advanced modeling of protein sequence and biophysical properties (such as structural, functional, and spatial information, amino acid conservation, physicochemical variation, residue mobility, and thermodynamic stability) performed at Invitae indicates that this missense variant is not expected to disrupt TNNI3K protein function with a negative predictive value of 80%. In summary, the available evidence is currently insufficient to determine the role of this variant in disease. Therefore, it has been classified as a Variant of Uncertain Significance.